The following is an entry in ClinVar:

ClinVar aggregate classification (germline): Uncertain significance (1 of 4 stars; one submission).

Allele frequency attached by ClinVar (database versions not stated): gnomAD exomes below 0.00001.
gnomAD v4.1: 3 of 1,508,556 alleles (0.0002%); highest among the groups gnomAD compares: Admixed American, 0.0017%; no homozygotes.

Submission:

GeneDx
Classification: Uncertain significance. Last evaluated: 2020-10-21. Review status: criteria provided, single submitter. Criteria: GeneDx Variant Classification Process June 2021. Collection method: clinical testing. Allele origin: germline. Affected: yes.
Comment: Not observed at a significant frequency in large population cohorts (Lek et al., 2016); Has not been previously published as pathogenic or benign to our knowledge; In-silico analysis, which includes splice predictors and evolutionary conservation, is inconclusive as to whether the variant alters gene splicing. In the absence of RNA/functional studies, the actual effect of this sequence change is unknown.

NM_020822.3(KCNT1):c.3178-5C>T

Gene: KCNT1 (potassium sodium-activated channel subfamily T member 1; plus strand). Cytogenetic location: 9q34.3.
Variant type: single nucleotide variant.
Coding change: c.3178-5C>T on transcript NM_020822.3 (MANE Select); 5 bases into the intron before coding-DNA position 3178, C replaced by T.
Molecular consequence: intron variant.
Genome position (GRCh38, 1-based): chr9:135,786,192, C>T. VCF-style: chr9-135786192-C-T. GRCh37 (hg19) VCF-style: chr9-138678038-C-T.
Other names: c.3043-5C>T (NM_001272003.2).
Identifiers: ClinVar variation 1200895 (VCV001200895.3), dbSNP rs753073468, ClinGen allele CA5327742.
Genomic context (GRCh38, chr9:135,786,192, plus strand): 5'-CCAAAGCCCGCGACCCTCCCGGCAGCCTCACCCCTCCCCGCCCTGCCCTGCCCTGCCCTG[C>T]CCAGTCCCAGATCTCGGTGAACGTGGAGGACTGTGAGGACACACGGGAAGTGAAGGGGCC-3'